The following is an entry in ClinVar:

NM_004260.4(RECQL4):c.398C>G (p.Ala133Gly)

Gene: RECQL4 (RecQ like helicase 4; minus strand). Cytogenetic location: 8q24.3.
Variant type: single nucleotide variant.
Coding change: c.398C>G on transcript NM_004260.4 (MANE Select); coding-DNA position 398, C replaced by G.
Protein change: p.Ala133Gly; replaces alanine 133 with glycine.
Molecular consequence: missense variant.
Genome position (GRCh38, 1-based): chr8:144,516,721, G>C on the plus strand (C>G on the coding strand, the complement: RECQL4 is on the minus strand). VCF-style: chr8-144516721-G-C. GRCh37 (hg19) VCF-style: chr8-145742105-G-C.
Other names: short protein forms A133G.
Identifiers: ClinVar variation 1513582 (VCV001513582.6), dbSNP rs1815095431, ClinGen allele CA372691631.

ClinVar aggregate classification (germline): Uncertain significance (1 of 4 stars; one submission).

Conditions:
Baller-Gerold syndrome (BGS). Also called: CRANIOSYNOSTOSIS WITH RADIAL DEFECTS. Identifiers: Orphanet 1225, MedGen C0265308, MONDO:0009039, OMIM 218600.

Submission:

Labcorp Genetics (formerly Invitae), Labcorp
Classification: Uncertain significance for Baller-Gerold syndrome. Last evaluated: 2021-02-11. Review status: criteria provided, single submitter. Criteria: Invitae Variant Classification Sherloc (09022015). Collection method: clinical testing. Allele origin: germline.
Comment: This sequence change replaces alanine with glycine at codon 133 of the RECQL4 protein (p.Ala133Gly). The alanine residue is weakly conserved and there is a small physicochemical difference between alanine and glycine. This variant is not present in population databases (ExAC no frequency). This variant has not been reported in the literature in individuals with RECQL4-related conditions. Experimental studies and prediction algorithms are not available or were not evaluated, and the functional significance of this variant is currently unknown. In summary, the available evidence is currently insufficient to determine the role of this variant in disease. Therefore, it has been classified as a Variant of Uncertain Significance.